The following is an entry in ClinVar:

NM_000038.6(APC):c.5528C>G (p.Pro1843Arg)

Gene: APC (APC regulator of Wnt signaling pathway; plus strand). Cytogenetic location: 5q22.2.
Variant type: single nucleotide variant.
Coding change: c.5528C>G on transcript NM_000038.6 (MANE Select); coding-DNA position 5528, C replaced by G.
Protein change: p.Pro1843Arg; replaces proline 1843 with arginine.
Molecular consequence: missense variant.
Genome position (GRCh38, 1-based): chr5:112,841,122, C>G. VCF-style: chr5-112841122-C-G. GRCh37 (hg19) VCF-style: chr5-112176819-C-G.
Other names: c.5528C>G, p.Pro1843Arg (NM_001127510.3, NM_001354895.2, NM_001407450.1); c.5474C>G, p.Pro1825Arg (NM_001127511.3); c.5582C>G, p.Pro1861Arg (NM_001354896.2, NM_001407447.1, NM_001407448.1 and 1 more transcripts); c.5558C>G, p.Pro1853Arg (NM_001354897.2); c.5453C>G, p.Pro1818Arg (NM_001354898.2); c.5444C>G, p.Pro1815Arg (NM_001354899.2); c.5405C>G, p.Pro1802Arg (NM_001354900.2); c.5351C>G, p.Pro1784Arg (NM_001354901.2, NM_001407453.1); and 11 more; short protein forms P1683R, P1742R, P1815R, P1871R, P1714R, P1717R, P1818R, P1825R.
Identifiers: ClinVar variation 1748101 (VCV001748101.2), dbSNP rs368080169, ClinGen allele CA16033427.

ClinVar aggregate classification (germline): Uncertain significance (1 of 4 stars; one submission).

Conditions:
Hereditary cancer-predisposing syndrome. Also called: Hereditary Cancer Syndrome; Hereditary neoplastic syndrome; Neoplastic Syndromes, Hereditary; Tumor predisposition. Identifiers: Orphanet 140162, MedGen C0027672, MeSH D009386, MONDO:0015356.

Submission:

Ambry Genetics
Classification: Uncertain significance for Hereditary cancer-predisposing syndrome. Last evaluated: 2022-09-14. Review status: criteria provided, single submitter. Criteria: Ambry Variant Classification Scheme 2023. Collection method: clinical testing. Allele origin: germline.
Comment: The p.P1843R variant (also known as c.5528C>G), located in coding exon 15 of the APC gene, results from a C to G substitution at nucleotide position 5528. The proline at codon 1843 is replaced by arginine, an amino acid with dissimilar properties. This amino acid position is highly conserved in available vertebrate species. In addition, in silico predictors for this gene do not accurately predict pathogenicity. Since supporting evidence is limited at this time, the clinical significance of this alteration remains unclear.